The following is an entry in ClinVar:

ClinVar aggregate classification (germline): Pathogenic (1 of 4 stars; one submission).

Conditions:
Long QT syndrome (LQTS). Identifiers: MedGen C0023976, MeSH D008133, MONDO:0002442. Disease mechanism: loss of function. Inheritance: Various modes of inheritance.

Submission:

Labcorp Genetics (formerly Invitae), Labcorp
Classification: Pathogenic for Long QT syndrome. Last evaluated: 2024-07-27. Review status: criteria provided, single submitter. Criteria: Invitae Variant Classification Sherloc (09022015). Collection method: clinical testing. Allele origin: germline.
Comment: This sequence change creates a premature translational stop signal (p.His302Thrfs*58) in the KCNH2 gene. It is expected to result in an absent or disrupted protein product. Loss-of-function variants in KCNH2 are known to be pathogenic (PMID: 10973849, 19862833). This variant is not present in population databases (gnomAD no frequency). This variant has not been reported in the literature in individuals affected with KCNH2-related conditions. ClinVar contains an entry for this variant (Variation ID: 934348). For these reasons, this variant has been classified as Pathogenic.

Literature cited by the submitters: PubMed 10973849; PubMed 19862833.

NM_000238.4(KCNH2):c.904del (p.His302fs)

Gene: KCNH2 (potassium voltage-gated channel subfamily H member 2; minus strand). Cytogenetic location: 7q36.1.
Variant type: Deletion.
Coding change: c.904del on transcript NM_000238.4 (MANE Select); coding-DNA position 904, one base deleted (C; older notation c.904delC).
Protein change: p.His302fs; shifts the reading frame from histidine 302.
Molecular consequence: frameshift variant.
Genome position (GRCh38, 1-based): chr7:150,958,071, G deleted on the plus strand (C on the coding strand, the reverse complement: KCNH2 is on the minus strand); the first of 2 consecutive G bases (chr7:150,958,071-150,958,072); deleting either gives the same sequence. VCF-style (leftmost placement, unchanged base first): chr7-150958070-TG-T. GRCh37 (hg19) VCF-style: chr7-150655158-TG-T.
Other names: c.903delC, p.His302Thrfs (NM_000238.3, NM_172056.3); c.615delC, p.His206Thrfs (NM_001406753.1, NM_001406756.1); c.726delC, p.His243Thrfs (NM_001406755.1); c.603delC, p.His202Thrfs (NM_001406757.1); short protein forms H302fs.
Identifiers: ClinVar variation 934348 (VCV000934348.9), dbSNP rs1801437299, ClinGen allele CA1139660320.